The following is an entry in ClinVar:

ClinVar aggregate classification (germline): Pathogenic (1 of 4 stars; one submission).

Conditions:
Nemaline myopathy 2 (NEM2). Also called: Nemaline myopathy 2, autosomal recessive. Identifiers: MedGen C1850569, MONDO:0009725, OMIM 256030.

Submission:

Labcorp Genetics (formerly Invitae), Labcorp
Classification: Pathogenic for Nemaline myopathy 2. Last evaluated: 2023-03-04. Review status: criteria provided, single submitter. Criteria: Invitae Variant Classification Sherloc (09022015). Collection method: clinical testing. Allele origin: germline.
Comment: This variant has not been reported in the literature in individuals affected with NEB-related conditions. This sequence change creates a premature translational stop signal (p.Pro8149Serfs*6) in the NEB gene. It is expected to result in an absent or disrupted protein product. Loss-of-function variants in NEB are known to be pathogenic (PMID: 25205138). This variant is not present in population databases (gnomAD no frequency). Algorithms developed to predict the effect of sequence changes on RNA splicing suggest that this variant may disrupt the consensus splice site. For these reasons, this variant has been classified as Pathogenic.

Literature cited by the submitters: PubMed 25205138.

NM_001164508.2(NEB):c.24335_24338dup (p.Pro8114fs)

Genes: NEB (nebulin; minus strand), RIF1 (replication timing regulatory factor 1; plus strand). Cytogenetic location: 2q23.3.
Variant type: Microsatellite.
Coding change: c.24335_24338dup on transcript NM_001164508.2 (MANE Select); coding-DNA positions 24335 to 24338, 4 bases duplicated (CTCT; older notation c.24335_24338dupCTCT).
Protein change: p.Pro8114fs; shifts the reading frame from proline 8114.
Molecular consequence: frameshift variant. On other transcripts: intron variant (1).
Genome position (GRCh38, 1-based): chr2:151,496,996-151,496,999, AGAG duplicated on the plus strand (CTCT on the coding strand, the reverse complement: NEB is on the minus strand). VCF-style (leftmost placement, unchanged base first): chr2-151496995-T-TAGAG. GRCh37 (hg19) VCF-style: chr2-152353509-T-TAGAG.
Other names: c.24335_24338dup, p.Pro8114fs (NM_001164507.2); c.24440_24443dup, p.Pro8149fs (NM_001271208.2); c.18826-631CT[4] (NM_004543.5); short protein forms P8149fs, P8114fs.
Identifiers: ClinVar variation 2842854 (VCV002842854.3), dbSNP rs2551842932, ClinGen allele CA2739271428.